The following is an entry in ClinVar:

ClinVar aggregate classification (germline): Uncertain significance (1 of 4 stars; one submission).

Conditions:
Cardiomyopathy (CMYO). Also called: Cardiomyopathies. Identifiers: Orphanet 167848, MedGen C0878544, MONDO:0004994, HP:0001638. Inheritance: Various modes of inheritance.

Submission:

Color Diagnostics, LLC DBA Color Health
Classification: Uncertain significance for Cardiomyopathy. Last evaluated: 2019-04-29. Review status: criteria provided, single submitter. Criteria: ACMG Guidelines, 2015. Collection method: clinical testing. Allele origin: germline.
Comment: This missense variant replaces arginine with glycine at codon 1846 of the MYH7 protein. Computational prediction tools and conservation analyses suggest that this variant may have deleterious impact on the protein function. Computational splicing tools suggest that this variant may not impact RNA splicing. To our knowledge, functional assays have not been performed for this variant nor has this variant been reported in individuals affected with cardiovascular disorders in the literature. This variant has not been identified in the general population by the Genome Aggregation Database (gnomAD). Available evidence is insufficient to determine the role of this variant in disease conclusively. Therefore, this variant is classified as a Variant of Uncertain Significance.

NM_000257.4(MYH7):c.5536C>G (p.Arg1846Gly)

Gene: MYH7 (myosin heavy chain 7; minus strand). Cytogenetic location: 14q11.2.
Variant type: single nucleotide variant.
Coding change: c.5536C>G on transcript NM_000257.4 (MANE Select); coding-DNA position 5536, C replaced by G.
Protein change: p.Arg1846Gly; replaces arginine 1846 with glycine.
Molecular consequence: missense variant.
Genome position (GRCh38, 1-based): chr14:23,415,018, G>C on the plus strand (C>G on the coding strand, the complement: MYH7 is on the minus strand). VCF-style: chr14-23415018-G-C. GRCh37 (hg19) VCF-style: chr14-23884227-G-C.
Other names: short protein forms R1846G.
Identifiers: ClinVar variation 924006 (VCV000924006.3), dbSNP rs12590294, ClinGen allele CA257808736.